The following is an entry in ClinVar:

NM_001162501.2(TNRC6B):c.2776C>T (p.Pro926Ser)

Gene: TNRC6B (trinucleotide repeat containing adaptor 6B; plus strand). Cytogenetic location: 22q13.1.
Variant type: single nucleotide variant.
Coding change: c.2776C>T on transcript NM_001162501.2 (MANE Select); coding-DNA position 2776, C replaced by T.
Protein change: p.Pro926Ser; replaces proline 926 with serine.
Molecular consequence: missense variant. On other transcripts: intron variant (1).
Genome position (GRCh38, 1-based): chr22:40,267,006, C>T. VCF-style: chr22-40267006-C-T. GRCh37 (hg19) VCF-style: chr22-40663010-C-T.
Other names: c.2776C>T, p.Pro926Ser (NM_015088.3); c.566-3116C>T (NM_001024843.2); short protein forms P926S.
Identifiers: ClinVar variation 3354864 (VCV003354864.1).

ClinVar aggregate classification (germline): Uncertain significance (0 of 4 stars; one submission).

Conditions:
TNRC6B-related disorder. Also called: TNRC6B-related condition.

gnomAD v4.1: 1 of 1,607,712 alleles (0.000062%); highest among the groups gnomAD compares: Non-Finnish European, 0.000085%; no homozygotes.

Submission:

PreventionGenetics, part of Exact Sciences
Classification: Uncertain significance for TNRC6B-related condition. Last evaluated: 2024-09-21. Review status: no assertion criteria provided. Collection method: clinical testing. Allele origin: germline.
Comment: The TNRC6B c.2776C>T variant is predicted to result in the amino acid substitution p.Pro926Ser. To our knowledge, this variant has not been reported in the literature or in a large population database, indicating this variant is rare. At this time, the clinical significance of this variant is uncertain due to the absence of conclusive functional and genetic evidence.